The following is an entry in ClinVar:

ClinVar aggregate classification (germline): Uncertain significance (1 of 4 stars; one submission).

Conditions:
Woodhouse-Sakati syndrome. Also called: Hypogonadism, Alopecia, Diabetes Mellitus, Mental Retardation, and Extrapyramidal Syndrome; EXTRAPYRAMIDAL DISORDER, PROGRESSIVE, WITH PRIMARY HYPOGONADISM, MENTAL RETARDATION, AND ALOPECIA; Hypogonadism, diabetes mellitus, alopecia, mental retardation and electrocardiographic abnormalities. Identifiers: Orphanet 3464, MedGen C0342286, MONDO:0009419, OMIM 241080.

Submission:

Labcorp Genetics (formerly Invitae), Labcorp
Classification: Uncertain significance for Woodhouse-Sakati syndrome. Last evaluated: 2022-10-05. Review status: criteria provided, single submitter. Criteria: Invitae Variant Classification Sherloc (09022015). Collection method: clinical testing. Allele origin: germline.
Comment: Advanced modeling of protein sequence and biophysical properties (such as structural, functional, and spatial information, amino acid conservation, physicochemical variation, residue mobility, and thermodynamic stability) performed at Invitae indicates that this missense variant is not expected to disrupt DCAF17 protein function. This sequence change replaces isoleucine, which is neutral and non-polar, with valine, which is neutral and non-polar, at codon 332 of the DCAF17 protein (p.Ile332Val). This variant is not present in population databases (gnomAD no frequency). This variant has not been reported in the literature in individuals affected with DCAF17-related conditions. In summary, the available evidence is currently insufficient to determine the role of this variant in disease. Therefore, it has been classified as a Variant of Uncertain Significance.

NM_025000.4(DCAF17):c.994A>G (p.Ile332Val)

Gene: DCAF17 (DDB1 and CUL4 associated factor 17; plus strand). Cytogenetic location: 2q31.1.
Variant type: single nucleotide variant.
Coding change: c.994A>G on transcript NM_025000.4 (MANE Select); coding-DNA position 994, A replaced by G.
Protein change: p.Ile332Val; replaces isoleucine 332 with valine.
Molecular consequence: missense variant. On other transcripts: non-coding transcript variant (1), intron variant (1).
Genome position (GRCh38, 1-based): chr2:171,473,878, A>G. VCF-style: chr2-171473878-A-G. GRCh37 (hg19) VCF-style: chr2-172330388-A-G.
Other names: c.982-4109A>G (NM_001164821.2); short protein forms I332V.
Identifiers: ClinVar variation 2071429 (VCV002071429.4), dbSNP rs2529781294, ClinGen allele CA349278723.